The following is an entry in ClinVar:

ClinVar aggregate classification (germline): Uncertain significance (1 of 4 stars; one submission).

Submission:

GeneDx
Classification: Uncertain significance. Last evaluated: 2024-05-21. Review status: criteria provided, single submitter. Criteria: GeneDx Variant Classification Process June 2021. Collection method: clinical testing. Allele origin: germline. Affected: yes.
Comment: Not observed at significant frequency in large population cohorts (gnomAD); In silico analysis supports that this missense variant has a deleterious effect on protein structure/function; Has not been previously published as pathogenic or benign to our knowledge

NM_004522.3(KIF5C):c.2215A>C (p.Asn739His)

Gene: KIF5C (kinesin family member 5C; plus strand). Cytogenetic location: 2q23.2.
Variant type: single nucleotide variant.
Coding change: c.2215A>C on transcript NM_004522.3 (MANE Select); coding-DNA position 2215, A replaced by C.
Protein change: p.Asn739His; replaces asparagine 739 with histidine.
Molecular consequence: missense variant. On other transcripts: non-coding transcript variant (1).
Genome position (GRCh38, 1-based): chr2:149,000,427, A>C. VCF-style: chr2-149000427-A-C. GRCh37 (hg19) VCF-style: chr2-149856941-A-C.
Other names: short protein forms N739H.
Identifiers: ClinVar variation 3381612 (VCV003381612.1).